The following is an entry in ClinVar:

ClinVar aggregate classification (germline): Uncertain significance (1 of 4 stars; one submission).

Conditions:
Cardiovascular phenotype. Identifiers: MedGen CN230736.

gnomAD v4.1: 2 of 1,604,054 alleles (0.00012%); highest among the groups gnomAD compares: Non-Finnish European, 0.00017%; no homozygotes.

Submission:

Ambry Genetics
Classification: Uncertain significance for Cardiovascular phenotype. Last evaluated: 2024-06-21. Review status: criteria provided, single submitter. Criteria: Ambry Variant Classification Scheme 2023. Collection method: clinical testing. Allele origin: germline.
Comment: The p.R85P variant (also known as c.254G>C), located in coding exon 3 of the TRPM4 gene, results from a G to C substitution at nucleotide position 254. The arginine at codon 85 is replaced by proline, an amino acid with dissimilar properties. This amino acid position is conserved. In addition, the in silico prediction for this alteration is inconclusive. Based on the available evidence, the clinical significance of this variant remains unclear.

NM_017636.4(TRPM4):c.254G>C (p.Arg85Pro)

Gene: TRPM4 (transient receptor potential cation channel subfamily M member 4; plus strand). Cytogenetic location: 19q13.33.
Variant type: single nucleotide variant.
Coding change: c.254G>C on transcript NM_017636.4 (MANE Select); coding-DNA position 254, G replaced by C.
Protein change: p.Arg85Pro; replaces arginine 85 with proline.
Molecular consequence: missense variant. On other transcripts: 5 prime UTR variant (1), intron variant (2).
Genome position (GRCh38, 1-based): chr19:49,166,202, G>C. VCF-style: chr19-49166202-G-C. GRCh37 (hg19) VCF-style: chr19-49669459-G-C.
Other names: c.254G>C, p.Arg85Pro (NM_001195227.2, NM_001321281.2); c.-1119G>C (NM_001321282.2); c.-74-2058G>C (NM_001321283.2); c.-237-2351G>C (NM_001321285.2); short protein forms R85P.
Identifiers: ClinVar variation 3329260 (VCV003329260.1).